The following is an entry in ClinVar:

NM_001388492.1(HTT):c.9325C>T (p.Arg3109Cys)

Gene: HTT (huntingtin; plus strand). Cytogenetic location: 4p16.3.
Variant type: single nucleotide variant.
Coding change: c.9325C>T on transcript NM_001388492.1 (MANE Select); coding-DNA position 9325, C replaced by T.
Protein change: p.Arg3109Cys; replaces arginine 3109 with cysteine.
Molecular consequence: missense variant.
Genome position (GRCh38, 1-based): chr4:3,239,955, C>T. VCF-style: chr4-3239955-C-T. GRCh37 (hg19) VCF-style: chr4-3241682-C-T.
Other names: c.9331C>T, p.Arg3111Cys (NM_002111.8); short protein forms R3111C, R3109C.
Identifiers: ClinVar variation 1377016 (VCV001377016.6), dbSNP rs370674094, ClinGen allele CA2825951.
Genomic context (GRCh38, chr4:3,239,955, plus strand): 5'-AACCTTTTCTGCCTGGTCGCCACAGACTTCTACAGACACCAGATAGAGGAGGAGCTCGAC[C>T]GCAGGGCCTTCCAGTCTGTGCTTGAGGTGGTTGCAGCCCCAGGAAGCCCATATCACCGGC-3'
Protein context (NP_001375421.1, residues 3099-3119): YRHQIEEELD[Arg3109Cys]RAFQSVLEVV

ClinVar aggregate classification (germline): Uncertain significance (1 of 4 stars; one submission).

Allele frequency attached by ClinVar (database versions not stated): gnomAD exomes below 0.00001 and 0.00002; gnomAD 0.00002; TOPMed 0.00002; ExAC 0.00005; ESP Exome Variant Server 0.00008.
gnomAD v4.1: 10 of 1,591,938 alleles (0.00063%); highest among the groups gnomAD compares: South Asian, 0.0034%; no homozygotes.

Submission:

Labcorp Genetics (formerly Invitae), Labcorp
Classification: Uncertain significance. Last evaluated: 2022-08-09. Review status: criteria provided, single submitter. Criteria: Invitae Variant Classification Sherloc (09022015). Collection method: clinical testing. Allele origin: germline.
Comment: In summary, the available evidence is currently insufficient to determine the role of this variant in disease. Therefore, it has been classified as a Variant of Uncertain Significance. Experimental studies and prediction algorithms are not available or were not evaluated, and the functional significance of this variant is currently unknown. ClinVar contains an entry for this variant (Variation ID: 1377016). This variant has not been reported in the literature in individuals affected with HTT-related conditions. The frequency data for this variant in the population databases is considered unreliable, as metrics indicate poor data quality at this position in the gnomAD database. This sequence change replaces arginine, which is basic and polar, with cysteine, which is neutral and slightly polar, at codon 3111 of the HTT protein (p.Arg3111Cys).